The following is an entry in ClinVar:

NM_001807.6(CEL):c.1412C>T (p.Thr471Met)

Gene: CEL (carboxyl ester lipase; plus strand). Cytogenetic location: 9q34.13.
Variant type: single nucleotide variant.
Coding change: c.1412C>T on transcript NM_001807.6 (MANE Select); coding-DNA position 1412, C replaced by T.
Protein change: p.Thr471Met; replaces threonine 471 with methionine.
Molecular consequence: missense variant.
Genome position (GRCh38, 1-based): chr9:133,070,586, C>T. VCF-style: chr9-133070586-C-T. GRCh37 (hg19) VCF-style: chr9-135945973-C-T.
Other names: short protein forms T471M.
Identifiers: ClinVar variation 1803447 (VCV001803447.2), dbSNP rs199524286, ClinGen allele CA5303357.

ClinVar aggregate classification (germline): Uncertain significance. Review status: criteria provided, multiple submitters, no conflicts (2 of 4 stars). 2 submissions from 2 submitters: Uncertain significance (2). Last evaluated 2024-04-11.

Conditions:
Maturity-onset diabetes of the young type 8 (MODY8). Also called: DIABETES-PANCREATIC EXOCRINE DYSFUNCTION SYNDROME; DIABETES AND PANCREATIC EXOCRINE DYSFUNCTION. Identifiers: Orphanet 552, MedGen C1853297, MONDO:0012348, OMIM 609812.

Allele frequency attached by ClinVar (database versions not stated): TOPMed 0.00007; gnomAD 0.00006.
gnomAD v4.1: 143 of 1,614,142 alleles (0.0089%); highest among the groups gnomAD compares: East Asian, 0.17%; 1 homozygote.

Submissions (2):

Fulgent Genetics
Classification: Uncertain significance for Maturity-onset diabetes of the young type 8. Last evaluated: 2024-04-11. Review status: criteria provided, single submitter. Criteria: ACMG Guidelines, 2015. Collection method: clinical testing. Allele origin: germline.

GeneDx
Classification: Uncertain significance. Last evaluated: 2022-06-07. Review status: criteria provided, single submitter. Criteria: GeneDx Variant Classification Process June 2021. Collection method: clinical testing. Allele origin: germline. Affected: yes.
Comment: Identified in two patients with features of MODY in published literature (Cheon et al., 2020; Sangwoo et al., 2022); In silico analysis supports that this missense variant does not alter protein structure/function; This variant is associated with the following publications: (PMID: 33031055, Lee_2022_JIG)